The following is an entry in ClinVar:

NM_012335.4(MYO1F):c.2508G>C (p.Glu836Asp)

Gene: MYO1F (myosin IF; minus strand). Cytogenetic location: 19p13.2.
Variant type: single nucleotide variant.
Coding change: c.2508G>C on transcript NM_012335.4 (MANE Select); coding-DNA position 2508, G replaced by C.
Protein change: p.Glu836Asp; replaces glutamic acid 836 with aspartic acid.
Molecular consequence: missense variant.
Genome position (GRCh38, 1-based): chr19:8,526,902, C>G on the plus strand (G>C on the coding strand, the complement: MYO1F is on the minus strand). VCF-style: chr19-8526902-C-G. GRCh37 (hg19) VCF-style: chr19-8591786-C-G.
Other names: c.2496G>C, p.Glu832Asp (NM_001348355.2); short protein forms E832D, E836D.
Identifiers: ClinVar variation 1222227 (VCV001222227.6), dbSNP rs182601554, ClinGen allele CA9158858.

ClinVar aggregate classification (germline): Conflicting classifications of pathogenicity. Review status: criteria provided, conflicting classifications (1 of 4 stars). 3 submissions from 3 submitters: Uncertain significance (1); Benign (1). 1 of the submissions does not count toward it. Last evaluated 2025-08-12.

Conditions:
MYO1F-related disorder. Also called: MYO1F-related condition.

Allele frequency attached by ClinVar (database versions not stated): gnomAD exomes 0.00019 and 0.00048; ExAC 0.00062; ESP Exome Variant Server 0.00150; gnomAD 0.00177 and 0.00190; 1000 Genomes Project 0.00200; TOPMed 0.00203; 1000 Genomes Project 30x 0.00250.
gnomAD v4.1: 577 of 1,613,998 alleles (0.036%); highest among the groups gnomAD compares: African/African-American, 0.67%; 5 homozygotes.

Submissions (3):

Ambry Genetics
Classification: Uncertain significance. Last evaluated: 2025-08-12. Review status: criteria provided, single submitter. Criteria: Ambry Variant Classification Scheme 2023. Collection method: clinical testing. Allele origin: germline.

GeneDx
Classification: Benign. Last evaluated: 2018-10-24. Review status: criteria provided, single submitter. Criteria: GeneDx Variant Classification Process June 2021. Collection method: clinical testing. Allele origin: germline. Affected: yes.

PreventionGenetics, part of Exact Sciences
Classification: Likely benign for MYO1F-related condition. Last evaluated: 2019-11-14. Review status: no assertion criteria provided. Collection method: clinical testing. Allele origin: germline. Not counted in ClinVar's aggregate classification.
Comment: This variant is classified as likely benign based on ACMG/AMP sequence variant interpretation guidelines (Richards et al. 2015 PMID: 25741868, with internal and published modifications).